The following is an entry in ClinVar:

NM_000088.4(COL1A1):c.3207+5G>A

Gene: COL1A1 (collagen type I alpha 1 chain; minus strand). Cytogenetic location: 17q21.33.
Variant type: single nucleotide variant.
Coding change: c.3207+5G>A on transcript NM_000088.4 (MANE Select); 5 bases into the intron after coding-DNA position 3207, G replaced by A.
Molecular consequence: intron variant.
Genome position (GRCh38, 1-based): chr17:50,188,525, C>T on the plus strand (G>A on the coding strand, the complement: COL1A1 is on the minus strand). VCF-style: chr17-50188525-C-T. GRCh37 (hg19) VCF-style: chr17-48265886-C-T.
Identifiers: ClinVar variation 4282344 (VCV004282344.2).

ClinVar aggregate classification (germline): Conflicting classifications of pathogenicity. Review status: criteria provided, conflicting classifications (1 of 4 stars). 2 submissions from 2 submitters: Likely pathogenic (1); Uncertain significance (1). Last evaluated 2025-07-10.

Conditions:
COL1A1-related disorder. Also called: COL1A1- related disease; COL1A1-related condition.

Submissions (2):

3billion
Classification: Uncertain significance for COL1A1-related disorder. Last evaluated: 2025-07-10. Review status: criteria provided, single submitter. Criteria: ACMG Guidelines, 2015. Collection method: clinical testing. Allele origin: germline. Affected: yes.
Comment: The variant is not observed in the gnomAD v4.1.0 dataset. Predicted Consequence/Location: Intron variant In silico tools predict the variant to alter splicing and produce an abnormal transcript [SpliceAI: 0.85 (>=0.2, moderate evidence for spliceogenicity)]. The variant has been reported to be associated with COL1A1-related disorder (PMID: 17078022). Therefore, this variant is classified as VUS according to the recommendation of ACMG/AMP guideline.

GeneDx
Classification: Likely pathogenic. Last evaluated: 2025-04-08. Review status: criteria provided, single submitter. Criteria: GeneDx Variant Classification Process June 2021. Collection method: clinical testing. Allele origin: germline. Affected: yes.
Comment: Intronic variant directly or indirectly altering the +5 splice site in a gene for which loss of function is a known mechanism of disease, and splice predictors support a deleterious effect; Not observed at significant frequency in large population cohorts (gnomAD); This variant is associated with the following publications: (PMID: 25525159, 17078022, 25963598)

Literature cited by the submitters: PubMed 17078022 (cited by 3billion).